The following is an entry in ClinVar:

NM_024529.5(CDC73):c.715C>G (p.Gln239Glu)

Gene: CDC73 (cell division cycle 73; plus strand). Cytogenetic location: 1q31.2.
Variant type: single nucleotide variant.
Coding change: c.715C>G on transcript NM_024529.5 (MANE Select); coding-DNA position 715, C replaced by G.
Protein change: p.Gln239Glu; replaces glutamine 239 with glutamic acid.
Molecular consequence: missense variant.
Genome position (GRCh38, 1-based): chr1:193,142,052, C>G. VCF-style: chr1-193142052-C-G. GRCh37 (hg19) VCF-style: chr1-193111182-C-G.
Other names: short protein forms Q239E.
Identifiers: ClinVar variation 2565274 (VCV002565274.2), dbSNP rs2103126490, ClinGen allele CA343962826.
Genomic context (GRCh38, chr1:193,142,052, plus strand): 5'-GATGTGACCCGAGATATTGTCAGCAGAGAGAGAGTATGGAGGACACGAACAACTATCTTA[C>G]AAAGCACAGGAAAGGTAATTAAAATATTTTACTCATTCATTGGAGTGAGAGAGAGAGAGA-3'
Protein context (NP_078805.3, residues 229-249): RVWRTRTTIL[Gln239Glu]STGKNFSKNI

ClinVar aggregate classification (germline): Uncertain significance (1 of 4 stars; one submission).

Conditions:
Hereditary cancer-predisposing syndrome. Also called: Neoplastic Syndromes, Hereditary; Hereditary Cancer Syndrome; Hereditary neoplastic syndrome; Tumor predisposition. Identifiers: Orphanet 140162, MedGen C0027672, MeSH D009386, MONDO:0015356.

Submission:

Ambry Genetics
Classification: Uncertain significance for Hereditary cancer-predisposing syndrome. Last evaluated: 2023-05-13. Review status: criteria provided, single submitter. Criteria: Ambry Variant Classification Scheme 2023. Collection method: clinical testing. Allele origin: germline.
Comment: The p.Q239E variant (also known as c.715C>G), located in coding exon 7 of the CDC73 gene, results from a C to G substitution at nucleotide position 715. The glutamine at codon 239 is replaced by glutamic acid, an amino acid with highly similar properties. This amino acid position is conserved. In addition, the in silico prediction for this alteration is inconclusive. Since supporting evidence is limited at this time, the clinical significance of this alteration remains unclear.